The following is an entry in ClinVar:

ClinVar aggregate classification (germline): Likely pathogenic (1 of 4 stars; one submission).

Conditions:
Congenital myasthenic syndrome 4A. Also called: Myasthenic syndrome, congenital, 4a, slow-channel; CONGENITAL MYASTHENIC SYNDROME TYPE Ia1; MYASTHENIC SYNDROME, CONGENITAL, 4A, SLOW-CHANNEL, AUTOSOMAL RECESSIVE. Identifiers: Orphanet 590, MedGen C4225413, MONDO:0011600, OMIM 605809.

Submission:

Labcorp Genetics (formerly Invitae), Labcorp
Classification: Likely pathogenic for Congenital myasthenic syndrome 4A. Last evaluated: 2025-12-13. Review status: criteria provided, single submitter. Criteria: Invitae Variant Classification Sherloc (09022015). Collection method: clinical testing. Allele origin: germline.
Comment: This sequence change replaces cysteine, which is neutral and slightly polar, with arginine, which is basic and polar, at codon 148 of the CHRNE protein (p.Cys148Arg). This variant is not present in population databases (gnomAD no frequency). This variant has not been reported in the literature in individuals affected with CHRNE-related conditions. Invitae Evidence Modeling of protein sequence and biophysical properties (such as structural, functional, and spatial information, amino acid conservation, physicochemical variation, residue mobility, and thermodynamic stability) indicates that this missense variant is expected to disrupt CHRNE protein function with a positive predictive value of 95%. This variant disrupts the p.Cys148 amino acid residue in CHRNE. Other variant(s) that disrupt this residue have been determined to be pathogenic (PMID: 9539130; internal data). This suggests that this residue is clinically significant, and that variants that disrupt this residue are likely to be disease-causing. In summary, the currently available evidence indicates that the variant is pathogenic, but additional data are needed to prove that conclusively. Therefore, this variant has been classified as Likely Pathogenic.

Literature cited by the submitters: PubMed 9539130.

NM_000080.4(CHRNE):c.442T>C (p.Cys148Arg)

Genes: C17orf107 (chromosome 17 open reading frame 107; plus strand), CHRNE (cholinergic receptor nicotinic epsilon subunit; minus strand). Cytogenetic location: 17p13.2.
Variant type: single nucleotide variant.
Coding change: c.442T>C on transcript NM_000080.4 (MANE Select); coding-DNA position 442, T replaced by C.
Protein change: p.Cys148Arg; replaces cysteine 148 with arginine.
Molecular consequence: missense variant. On other transcripts: 3 prime UTR variant (1).
Genome position (GRCh38, 1-based): chr17:4,901,990, A>G on the plus strand (T>C on the coding strand, the complement: CHRNE is on the minus strand). VCF-style: chr17-4901990-A-G. GRCh37 (hg19) VCF-style: chr17-4805285-A-G.
Other names: c.*1457A>G (NM_001145536.2); short protein forms C148R.
Identifiers: ClinVar variation 4746118 (VCV004746118.1).